The following is an entry in ClinVar:

NM_206933.4(USH2A):c.6510T>G (p.Ser2170Arg)

Gene: USH2A (usherin; minus strand). Cytogenetic location: 1q41.
Variant type: single nucleotide variant.
Coding change: c.6510T>G on transcript NM_206933.4 (MANE Select); coding-DNA position 6510, T replaced by G.
Protein change: p.Ser2170Arg; replaces serine 2170 with arginine.
Molecular consequence: missense variant.
Genome position (GRCh38, 1-based): chr1:215,999,034, A>C on the plus strand (T>G on the coding strand, the complement: USH2A is on the minus strand). VCF-style: chr1-215999034-A-C. GRCh37 (hg19) VCF-style: chr1-216172376-A-C.
Other names: short protein forms S2170R.
Identifiers: ClinVar variation 48563 (VCV000048563.24), dbSNP rs373604102, ClinGen allele CA143562.

ClinVar aggregate classification (germline): Benign/Likely benign. Review status: criteria provided, multiple submitters, no conflicts (2 of 4 stars). 8 submissions from 7 submitters: Benign (3); Likely benign (4). 1 of the submissions does not count toward it. Last evaluated 2026-01-28.

Conditions:
Usher syndrome type 2A. Also called: USHER SYNDROME, TYPE IIA; RETINAL DISEASE IN USHER SYNDROME TYPE IIA, MODIFIER OF. Identifiers: Orphanet 231178, Orphanet 886, MedGen C1848634, MONDO:0010169, OMIM 276901.
Retinitis pigmentosa 39 (RP39). Identifiers: Orphanet 791, MedGen C3151138, MONDO:0013436, OMIM 613809.

Allele frequency attached by ClinVar (database versions not stated): 1000 Genomes Project 30x 0.00203; gnomAD below 0.00001 and 0.00017; TOPMed 0.00003; gnomAD exomes 0.00035; ExAC 0.00098; 1000 Genomes Project 0.00180.
gnomAD v4.1: 536 of 1,612,508 alleles (0.033%); highest among the groups gnomAD compares: South Asian, 0.56%; 7 homozygotes.

Submissions (8):

Labcorp Genetics (formerly Invitae), Labcorp
Classification: Benign. Last evaluated: 2026-01-28. Review status: criteria provided, single submitter. Criteria: Invitae Variant Classification Sherloc (09022015). Collection method: clinical testing. Allele origin: germline.

Blueprint Genetics
Classification: Likely benign. Last evaluated: 2024-07-11. Review status: criteria provided, single submitter. Criteria: ACMG Guidelines, 2015. Collection method: clinical testing. Allele origin: germline.

Genome-Nilou Lab
Classification: Likely benign for Retinitis pigmentosa 39. Last evaluated: 2023-11-04. Review status: criteria provided, single submitter. Criteria: ACMG Guidelines, 2015. Collection method: clinical testing. Allele origin: germline. Affected: no.

Genome-Nilou Lab
Classification: Likely benign for Usher syndrome type 2A. Last evaluated: 2023-11-04. Review status: criteria provided, single submitter. Criteria: ACMG Guidelines, 2015. Collection method: clinical testing. Allele origin: germline. Affected: no.

GeneDx
Classification: Benign. Last evaluated: 2019-07-01. Review status: criteria provided, single submitter. Criteria: GeneDx Variant Classification Process June 2021. Collection method: clinical testing. Allele origin: germline. Affected: yes.

Eurofins Ntd Llc (ga)
Classification: Benign. Last evaluated: 2016-07-14. Review status: criteria provided, single submitter. Criteria: EGL Classification Definitions 2015. Collection method: clinical testing. Allele origin: germline. Observed: 1 variant allele, 1 heterozygote.

Laboratory for Molecular Medicine, Mass General Brigham Personalized Medicine
Classification: Likely benign. Last evaluated: 2011-09-25. Review status: criteria provided, single submitter. Criteria: LMM Criteria. Collection method: clinical testing. Allele origin: germline. Observed: 1 variant allele.
Comment: Ser2170Arg in exon 34 of USH2A: This variant is not expected to have clinical si gnificance because the Serine 2170 residue is poorly conserved in mammals with m ost other species having an Asparagine. Therefore, this variant is likely benign .

Natera, Inc.
Classification: Benign for Usher syndrome type 2A. Last evaluated: 2020-08-18. Review status: no assertion criteria provided. Collection method: clinical testing. Allele origin: germline. Not counted in ClinVar's aggregate classification.